The following is an entry in ClinVar:

ClinVar aggregate classification (germline): Likely benign (1 of 4 stars; one submission).

Conditions:
BDNF-related disorder. Also called: BDNF-related condition.

gnomAD v4.1: 7 of 1,614,206 alleles (0.00043%); highest among the groups gnomAD compares: Non-Finnish European, 0.00051%; no homozygotes.

Submission:

PreventionGenetics, part of Exact Sciences
Classification: Likely benign for BDNF-related condition. Last evaluated: 2024-12-04. Review status: criteria provided, single submitter. Criteria: ACMG Guidelines, 2015. Collection method: clinical testing. Allele origin: germline.
Comment: This variant is classified as likely benign based on ACMG/AMP sequence variant interpretation guidelines (Richards et al. 2015 PMID: 25741868, with internal and published modifications).

NM_001709.5(BDNF):c.717T>C (p.Cys239=)

Genes: BDNF (brain derived neurotrophic factor; minus strand), BDNF-AS (BDNF antisense RNA; plus strand). Cytogenetic location: 11p14.1.
Variant type: single nucleotide variant.
Coding change: c.717T>C on transcript NM_001709.5 (MANE Select); coding-DNA position 717, T replaced by C.
Protein change: p.Cys239=; no amino-acid change (cysteine 239 retained).
Molecular consequence: synonymous variant.
Genome position (GRCh38, 1-based): chr11:27,657,848, A>G on the plus strand (T>C on the coding strand, the complement: BDNF is on the minus strand). VCF-style: chr11-27657848-A-G. GRCh37 (hg19) VCF-style: chr11-27679395-A-G.
Other names: c.717T>C, p.Cys239= (NM_001143805.1, NM_001143806.1, NM_001143807.2 and 9 more transcripts); c.804T>C, p.Cys268= (NM_001143809.2); c.963T>C, p.Cys321= (NM_001143810.2); c.741T>C, p.Cys247= (NM_170731.5); c.762T>C, p.Cys254= (NM_170734.4).
Identifiers: ClinVar variation 4983718 (VCV004983718.1).
Genomic context (GRCh38, chr11:27,657,848, plus strand): 5'-TCAATATAATCTAATCTATACAACATAAATCCACTATCTTCCCCTTTTAATGGTCAATGT[A>G]CATACACAAGAAGTGTCTATCCTTATGAATCGCCAGCCAATTCTCTTTTTGCTATCCATG-3'
Protein context (NP_001700.2, residues 229-247): RFIRIDTSCV[Cys239=]TLTIKRGR